The following is an entry in ClinVar:

NM_130837.3(OPA1):c.1682-3C>G

Gene: OPA1 (OPA1 mitochondrial dynamin like GTPase; plus strand). Cytogenetic location: 3q29.
Variant type: single nucleotide variant.
Coding change: c.1682-3C>G on transcript NM_130837.3 (MANE Select); 3 bases into the intron before coding-DNA position 1682, C replaced by G.
Molecular consequence: intron variant.
Genome position (GRCh38, 1-based): chr3:193,645,725, C>G. VCF-style: chr3-193645725-C-G. GRCh37 (hg19) VCF-style: chr3-193363514-C-G.
Other names: c.1145-3C>G (NM_001354664.2); c.1148-3C>G (NM_001354663.2); c.1571-3C>G (NM_130834.3); c.1628-3C>G (NM_130836.3); c.1517-3C>G (NM_015560.3); c.1574-3C>G (NM_130835.3); c.1463-3C>G (NM_130832.3); c.1520-3C>G (NM_130833.3); and 1 more.
Identifiers: ClinVar variation 4822957 (VCV004822957.4).
Genomic context (GRCh38, chr3:193,645,725, plus strand): 5'-TGTTGTTTTCAAATAATAAAGAGTAATTTTCTTGATGAAAATTTGACCATCATTCTTCCC[C>G]AGGGAACAGCTCTGAAAGCATTGAAGCTATAAGAGAATATGAAGAAGAGTTTTTTCAGAA-3'

ClinVar aggregate classification (germline): Uncertain significance (1 of 4 stars; one submission).

Submission:

CeGaT Center for Human Genetics Tuebingen
Classification: Uncertain significance. Last evaluated: 2026-01-01. Review status: criteria provided, single submitter. Criteria: CeGaT Center For Human Genetics Tuebingen Variant Classification Criteria Version 2. Collection method: clinical testing. Allele origin: germline. Affected: yes. Observed: 1 variant allele.
Comment: OPA1: PM2